The following is an entry in ClinVar:

NM_130797.4(DPP6):c.243+7980G>A

Gene: DPP6 (dipeptidyl peptidase like 6; plus strand). Cytogenetic location: 7q36.2.
Variant type: single nucleotide variant.
Coding change: c.243+7980G>A on transcript NM_130797.4 (MANE Select); 7980 bases into the intron after coding-DNA position 243, G replaced by A.
Molecular consequence: intron variant.
Genome position (GRCh38, 1-based): chr7:154,061,043, G>A. VCF-style: chr7-154061043-G-A. GRCh37 (hg19) VCF-style: chr7-153758128-G-A.
Other names: c.60+312035G>A (NM_001364500.2, NM_001364499.2, NM_001364497.2 and 1 more transcripts); c.51+173309G>A (NM_001364501.2, NM_001039350.3); c.243+7980G>A (NM_001290253.2).
Identifiers: ClinVar variation 2658252 (VCV002658252.24), dbSNP rs1387753251, ClinGen allele CA579000260.

ClinVar aggregate classification (germline): Benign (1 of 4 stars; one submission).

Submission:

CeGaT Center for Human Genetics Tuebingen
Classification: Benign. Last evaluated: 2022-06-01. Review status: criteria provided, single submitter. Criteria: CeGaT Center For Human Genetics Tuebingen Variant Classification Criteria Version 2. Collection method: clinical testing. Allele origin: germline. Affected: yes. Observed: 1 variant allele.
Comment: DPP6: BS1, BS2